The following continues an entry in ClinVar:

NM_001080483.3(MYMK):c.271C>A (p.Pro91Thr)

Gene: MYMK. ClinVar aggregate classification (germline): Conflicting classifications of pathogenicity. Pathogenic (11); Likely pathogenic (4); Uncertain significance (1).

Submissions 13 to 18 of 18:

Victorian Clinical Genetics Services, Murdoch Childrens Research Institute
Classification: Pathogenic for Carey-Fineman-Ziter syndrome 1. Last evaluated: 2021-05-06. Review status: criteria provided, single submitter. Criteria: ACMG Guidelines, 2015. Collection method: clinical testing. Allele origin: germline. Inheritance: Autosomal recessive inheritance. Affected: yes.
Comment: Based on the classification scheme VCGS_Germline_v1.3.4, this variant is classified as Pathogenic. Following criteria are met: 0102 - Loss of function is a known mechanism of disease in this gene and is associated with Carey-Fineman-Ziter syndrome (MIM#254940). (I) 0106 - This gene is associated with autosomal recessive disease. (I) 0200 - Variant is predicted to result in a missense amino acid change from proline to threonine. (I) 0251 - This variant is heterozygous. (I) 0304 - Variant is present in gnomAD (v2) <0.01 for a recessive condition (341 heterozygotes, 0 homozygotes). (SP) 0309 - An alternative amino acid change at the same position has been observed in gnomAD (v3) (2 heterozygotes, 0 homozygotes). (I) 0502 - Missense variant with conflicting in silico predictions and very high conservation. (I) 0604 - Variant is not located in an established domain, motif, hotspot or informative constraint region. (I) 0705 - No comparable missense variants have previous evidence for pathogenicity. (I) 0801 - This variant has strong previous evidence of pathogenicity in unrelated individuals. The variant has previously reported in many individuals with Carey-Fineman-Ziter syndrome (MIM#254940) (ClinVar, PMID: 28681861, 29560417). (SP) 0901 - This variant has strong evidence for segregation with disease. The variant has been reported to segregate with disease in at least five families (PMID: 28681861, PMID: 30065953) (SP) 1002 - This variant has moderate functional evidence supporting abnormal protein function. The variant is considered to be hypomorphic as it results in a partial loss of function rather than a null allele (PMID: 28681861). (SP) 1208 - Inheritance information for this variant is not currently available in this individual. (I) Legend: (SP) - Supporting pathogenic, (I) - Information, (SB) - Supporting benign

Molecular Genetics, Royal Melbourne Hospital
Classification: Pathogenic for Carey-Fineman-Ziter syndrome 1. Last evaluated: 2020-11-30. Review status: criteria provided, single submitter. Criteria: ACMG Guidelines, 2015. Collection method: clinical testing. Allele origin: germline. Affected: yes.
Comment: This sequence change is predicted to replace proline with threonine at codon 91 of the MYMK protein (p.(Pro91Thr)). The proline residue is invariant across species (100 vertebrates, UCSC), and is located in a domain of unknown function. There is a small physicochemical difference between proline and threonine. The variant is present in a large population cohort at a frequency of 0.1% (rs137868995, 341/282,106 alleles, 0 homozygotes in gnomAD v2.1). The variant has been identified with a second allele in at least six individuals with congenital nonprogressive myopathy with Moebius and Robin sequences, and segregates in affected siblings in multiple families (PMID: 28681861, 29560417, 30065953). The variant is a hypomorph, and the fusogenic activity of the mutant protein is fully/partially rescued in a zebrafish model (PMID: 28681861). Multiple lines of computational evidence have conflicting predictions for the missense substitution (3/6 algorithms predict deleterious). Based on the classification scheme RMH ACMG Guidelines v1.2.1, this variant is classified as PATHOGENIC. Following criteria are met: PM3_Strong, PP1_Strong, PS3_Supporting.

Illumina Laboratory Services, Illumina
Classification: Pathogenic for Carey-Fineman-Ziter syndrome 1. Last evaluated: 2019-06-05. Review status: criteria provided, single submitter. Criteria: ICSLVariantClassificationCriteria RUGD 01 April 2020. Collection method: clinical testing. Allele origin: unknown.
Comment: The MYMK c.271C>A (p.Pro91Thr) variant is a missense variant that has been reported in three studies and is found in a total of 11 individuals from six families with phenotypes overlapping Carey-Fineman-Ziter syndrome, all carrying the variant in a compound heterozygous state with a second missense variant (Di Gioia et al. 2017; Alrohaif et al. 2018; Hedberg-Oldfors et al. 2018). Individuals ranged in age from one to 69 years and the main phenotypes included facial muscle weakness, motor delays, generalized muscle hypoplasia, congenital contractures, hypermobility, myopathy noted through electromyography, growth failure, feeding problems, skeletal features including scoliosis and short stature, and facial and head features including broad nasal tip, micrognathia or retrognathia, lagophthalmos, ptosis, high palate, cleft palate, and a thin tubular neck. Parents were also genotyped in five of the families, showing an unaffected parent carrying the variant in a heterozygous state (Di Gioia et al. 2017; Hedberg-Oldfors et al. 2018). Control data are unavailable for this variant, which is reported at a frequency of 0.002192 in the European (non-Finnish) population of the Genome Aggregation Database. Functional studies showed an effect on protein stability in HeLa cells and lower expression levels in C2C12 cells with FLAG-tagged human p.Pro91Thr constructs. However, presence of this variant did not affect myoblast fusion. In zebrafish studies, the p.Pro91Thr variant partially rescued the phenotype, whereas there was complete rescue with wild-type mRNA (Di Gioia et al. 2017). Based on the collective evidence, the p.Pro91Thr variant is classified as pathogenic for Carey-Fineman-Ziter syndrome.

Broad Center for Mendelian Genomics, Broad Institute of MIT and Harvard
Classification: Likely pathogenic for Carey-Fineman-Ziter syndrome 1. Last evaluated: 2018-12-03. Review status: criteria provided, single submitter. Criteria: ACMG Guidelines, 2015. Collection method: research. Allele origin: germline. Inheritance: Autosomal recessive inheritance. Affected: yes.
Comment: This variant has been identified in 0.1186% (328/276516) of chromosomes by the Genome Aggregation Database (gnomAD; dbSNP rs137868995). Although this variant has been seen in the general population, its frequency is low enough to be consistent with a recessive carrier frequency. Computational prediction tools and conservation analyses do not provide strong support for or against an impact to the protein. The p.Pro91Thr variant in MYMK has been reported in 7 Caucasian individuals from the US and New Zealand with Carey Finteman-Ziter syndrome and segregated with disease in 6 affected relatives from 3 families (PMID: 28681861). The presence of this variant in combination with 3 variants reported pathogenic by OMIM in ClinVar and in 7 individuals with Carey-Finteman-Ziter syndrome increases the likelihood that the p.Pro91Thr variant is pathogenic. In vitro functional studies provide some evidence that the p.Pro91Thr variant may impact, but not eliminate, myoblast fusion activity (PMID: 28681861). However, these types of assays may not accurately represent biological function. In summary, although additional studies are required to fully establish its clinical significance, this variant is likely pathogenic. ACMG/AMP Criteria applied: PM2, PM3, PP1, PS3_Supporting (Richards 2015).

OMIM
Classification: Pathogenic for CAREY-FINEMAN-ZITER SYNDROME. Last evaluated: 2019-01-07. Review status: no assertion criteria provided. Collection method: literature only. Allele origin: germline. Not counted in ClinVar's aggregate classification.

Baylor Genetics
Classification: Uncertain significance for Carey-Fineman-Ziter syndrome 1. Last evaluated: 2019-07-18. Review status: flagged submission. Criteria: ACMG Guidelines, 2015. Collection method: clinical testing. Allele origin: unknown. Affected: yes. Not counted in ClinVar's aggregate classification.
Comment: This variant was determined to be of uncertain significance according to ACMG Guidelines, 2015 [PMID:25741868].
ClinVar note: Reason: New submission from submitter that appears to have been intended to update this older submission

Literature cited by the submitters: PubMed 30065953 (cited by 6 submitters); PubMed 28681861 (cited by 9 submitters); PubMed 29560417 (cited by 5 submitters); PubMed 32528171 (cited by Mayo Clinic Laboratories, Mayo Clinic); PubMed 32573669 (cited by Mayo Clinic Laboratories, Mayo Clinic); PubMed 7131178 (cited by OMIM).